The following is an entry in ClinVar:

NM_001171.6(ABCC6):c.1077A>C (p.Ser359=)

Gene: ABCC6 (ATP binding cassette subfamily C member 6; minus strand). Cytogenetic location: 16p13.11.
Variant type: single nucleotide variant.
Coding change: c.1077A>C on transcript NM_001171.6 (MANE Select); coding-DNA position 1077, A replaced by C.
Protein change: p.Ser359=; no amino-acid change (serine 359 retained).
Molecular consequence: synonymous variant. On other transcripts: non-coding transcript variant (1).
Genome position (GRCh38, 1-based): chr16:16,202,100, T>G on the plus strand (A>C on the coding strand, the complement: ABCC6 is on the minus strand). VCF-style: chr16-16202100-T-G. GRCh37 (hg19) VCF-style: chr16-16295957-T-G.
Other names: c.735A>C, p.Ser245= (NM_001351800.1).
Identifiers: ClinVar variation 379228 (VCV000379228.1), dbSNP rs72664283, ClinGen allele CA16606908.

ClinVar aggregate classification (germline): Likely benign (1 of 4 stars; one submission).

Submission:

GeneDx
Classification: Likely benign. Last evaluated: 2016-05-19. Review status: criteria provided, single submitter. Criteria: GeneDx Variant Classification (06012015). Collection method: clinical testing. Allele origin: germline. Affected: yes.
Comment: This variant is considered likely benign or benign based on one or more of the following criteria: it is a conservative change, it occurs at a poorly conserved position in the protein, it is predicted to be benign by multiple in silico algorithms, and/or has population frequency not consistent with disease.